The following is an entry in ClinVar:

ClinVar aggregate classification (germline): Uncertain significance. Review status: criteria provided, multiple submitters, no conflicts (2 of 4 stars). 2 submissions from 2 submitters: Uncertain significance (2). Last evaluated 2025-07-30.

Conditions:
Ataxia-telangiectasia syndrome (AT). Also called: AT, COMPLEMENTATION GROUP C; Ataxia-telangiectasia, complementation group D; ATAXIA-TELANGIECTASIA, COMPLEMENTATION GROUP A; ATAXIA-TELANGIECTASIA, FRESNO VARIANT; Ataxia-telangiectasia; Ataxia-telangiectasia, complementation group E. Identifiers: Orphanet 100, MedGen C0004135, MONDO:0008840, OMIM 208900.
Hereditary cancer-predisposing syndrome. Also called: Tumor predisposition; Hereditary Cancer Syndrome; Hereditary neoplastic syndrome; Neoplastic Syndromes, Hereditary. Identifiers: Orphanet 140162, MedGen C0027672, MeSH D009386, MONDO:0015356.

Submissions (2):

Labcorp Genetics (formerly Invitae), Labcorp
Classification: Uncertain significance for Ataxia-telangiectasia syndrome. Last evaluated: 2025-07-30. Review status: criteria provided, single submitter. Criteria: Invitae Variant Classification Sherloc (09022015). Collection method: clinical testing. Allele origin: germline.
Comment: This sequence change replaces glutamine, which is neutral and polar, with arginine, which is basic and polar, at codon 2942 of the ATM protein (p.Gln2942Arg). This variant is not present in population databases (gnomAD no frequency). This variant has not been reported in the literature in individuals affected with ATM-related conditions. ClinVar contains an entry for this variant (Variation ID: 3223422). Invitae Evidence Modeling of protein sequence and biophysical properties (such as structural, functional, and spatial information, amino acid conservation, physicochemical variation, residue mobility, and thermodynamic stability) indicates that this missense variant is not expected to disrupt ATM protein function with a negative predictive value of 95%. In summary, the available evidence is currently insufficient to determine the role of this variant in disease. Therefore, it has been classified as a Variant of Uncertain Significance.

Ambry Genetics
Classification: Uncertain significance for Hereditary cancer-predisposing syndrome. Last evaluated: 2023-11-01. Review status: criteria provided, single submitter. Criteria: Ambry Variant Classification Scheme 2023. Collection method: clinical testing. Allele origin: germline.
Comment: The p.Q2942R variant (also known as c.8825A>G), located in coding exon 60 of the ATM gene, results from an A to G substitution at nucleotide position 8825. The glutamine at codon 2942 is replaced by arginine, an amino acid with highly similar properties. This amino acid position is conserved. In addition, this alteration is predicted to be tolerated by in silico analysis. Since supporting evidence is limited at this time, the clinical significance of this alteration remains unclear.

NM_000051.4(ATM):c.8825A>G (p.Gln2942Arg)

Genes: ATM (ATM serine/threonine kinase; plus strand), C11orf65 (chromosome 11 open reading frame 65; minus strand). Cytogenetic location: 11q22.3.
Variant type: single nucleotide variant.
Coding change: c.8825A>G on transcript NM_000051.4 (MANE Select); coding-DNA position 8825, A replaced by G.
Protein change: p.Gln2942Arg; replaces glutamine 2942 with arginine.
Molecular consequence: missense variant. On other transcripts: intron variant (2).
Genome position (GRCh38, 1-based): chr11:108,354,849, A>G. VCF-style: chr11-108354849-A-G. GRCh37 (hg19) VCF-style: chr11-108225576-A-G.
Other names: c.8825A>G, p.Gln2942Arg (NM_001351834.2); c.640+31071T>C (NM_001330368.2); c.695-19557T>C (NM_001351110.2); short protein forms Q2942R.
Identifiers: ClinVar variation 3223422 (VCV003223422.1), dbSNP rs2137351378, ClinGen allele CA382525924.